The following is an entry in ClinVar:

NM_018706.7(DHTKD1):c.241G>A (p.Ala81Thr)

Gene: DHTKD1 (dehydrogenase E1 and transketolase domain containing 1; plus strand). Cytogenetic location: 10p14.
Variant type: single nucleotide variant.
Coding change: c.241G>A on transcript NM_018706.7 (MANE Select); coding-DNA position 241, G replaced by A.
Protein change: p.Ala81Thr; replaces alanine 81 with threonine.
Molecular consequence: missense variant.
Genome position (GRCh38, 1-based): chr10:12,081,558, G>A. VCF-style: chr10-12081558-G-A. GRCh37 (hg19) VCF-style: chr10-12123557-G-A.
Other names: c.241G>A (NM_018706.5); short protein forms A81T.
Identifiers: ClinVar variation 1925011 (VCV001925011.6), dbSNP rs763659313, ClinGen allele CA5407479.

ClinVar aggregate classification (germline): Uncertain significance. Review status: criteria provided, multiple submitters, no conflicts (2 of 4 stars). 2 submissions from 2 submitters: Uncertain significance (2). Last evaluated 2025-12-02.

Conditions:
Inborn genetic diseases. Identifiers: MedGen C0950123, MeSH D030342.
2-aminoadipic 2-oxoadipic aciduria (AAKAD). Also called: ALPHA-AMINOADIPIC AND ALPHA-KETOADIPIC ACIDURIA; Aminoadipic aciduria. Identifiers: Orphanet 79154, MedGen C1859817, MONDO:0008774, OMIM 204750.

Allele frequency attached by ClinVar (database versions not stated): gnomAD exomes below 0.00001; gnomAD 0.00001; TOPMed 0.00001; ExAC 0.00002.
gnomAD v4.1: 6 of 1,614,050 alleles (0.00037%); highest among the groups gnomAD compares: East Asian, 0.0089%; no homozygotes.

Submissions (2):

Ambry Genetics
Classification: Uncertain significance for Inborn genetic diseases. Last evaluated: 2025-12-02. Review status: criteria provided, single submitter. Criteria: Ambry Variant Classification Scheme 2023. Collection method: clinical testing. Allele origin: germline.

Labcorp Genetics (formerly Invitae), Labcorp
Classification: Uncertain significance for 2-aminoadipic 2-oxoadipic aciduria. Last evaluated: 2023-10-05. Review status: criteria provided, single submitter. Criteria: Invitae Variant Classification Sherloc (09022015). Collection method: clinical testing. Allele origin: germline.
Comment: This sequence change replaces alanine, which is neutral and non-polar, with threonine, which is neutral and polar, at codon 81 of the DHTKD1 protein (p.Ala81Thr). This variant is present in population databases (rs763659313, gnomAD 0.03%). This variant has not been reported in the literature in individuals affected with DHTKD1-related conditions. ClinVar contains an entry for this variant (Variation ID: 1925011). Advanced modeling of protein sequence and biophysical properties (such as structural, functional, and spatial information, amino acid conservation, physicochemical variation, residue mobility, and thermodynamic stability) performed at Invitae indicates that this missense variant is not expected to disrupt DHTKD1 protein function. In summary, the available evidence is currently insufficient to determine the role of this variant in disease. Therefore, it has been classified as a Variant of Uncertain Significance.